The following is an entry in ClinVar:

NM_001347721.2(DYRK1A):c.2261C>T (p.Ser754Leu)

Gene: DYRK1A (dual specificity tyrosine phosphorylation regulated kinase 1A; plus strand). Cytogenetic location: 21q22.13.
Variant type: single nucleotide variant.
Coding change: c.2261C>T on transcript NM_001347721.2 (MANE Select); coding-DNA position 2261, C replaced by T.
Protein change: p.Ser754Leu; replaces serine 754 with leucine.
Molecular consequence: missense variant. On other transcripts: 3 prime UTR variant (2).
Genome position (GRCh38, 1-based): chr21:37,512,527, C>T. VCF-style: chr21-37512527-C-T. GRCh37 (hg19) VCF-style: chr21-38884830-C-T.
Other names: c.2288C>T (NM_001396.4); c.2261C>T, p.Ser754Leu (NM_001347722.2, NM_130436.2); c.2174C>T, p.Ser725Leu (NM_001347723.2); c.2288C>T, p.Ser763Leu (NM_001396.5); c.*664C>T (NM_101395.2); c.*573C>T (NM_130438.2); short protein forms S754L, S763L, S725L.
Identifiers: ClinVar variation 957515 (VCV000957515.13), dbSNP rs771118827, ClinGen allele CA10024187.

ClinVar aggregate classification (germline): Likely benign. Review status: criteria provided, multiple submitters, no conflicts (2 of 4 stars). 3 submissions from 3 submitters: Likely benign (2). 1 of the submissions does not count toward it. Last evaluated 2024-12-28.

Conditions:
DYRK1A-related disorder.
Inborn genetic diseases. Identifiers: MedGen C0950123, MeSH D030342.
DYRK1A-related intellectual disability syndrome (MRD7). Also called: DYRK1A Syndrome; Intellectual developmental disorder, autosomal dominant 7. Identifiers: Orphanet 464306, MedGen C5568143, MONDO:0013578, OMIM 614104.

Allele frequency attached by ClinVar (database versions not stated): gnomAD 0.00001; ExAC 0.00002; TOPMed 0.00002.
gnomAD v4.1: 20 of 1,606,172 alleles (0.0012%); highest among the groups gnomAD compares: South Asian, 0.0044%; no homozygotes.

Submissions (3):

Labcorp Genetics (formerly Invitae), Labcorp
Classification: Likely benign for DYRK1A-related intellectual disability syndrome. Last evaluated: 2024-12-28. Review status: criteria provided, single submitter. Criteria: Invitae Variant Classification Sherloc (09022015). Collection method: clinical testing. Allele origin: germline.

Ambry Genetics
Classification: Likely benign for Inborn genetic diseases. Last evaluated: 2023-02-27. Review status: criteria provided, single submitter. Criteria: Ambry Variant Classification Scheme 2023. Collection method: clinical testing. Allele origin: germline.

PreventionGenetics, part of Exact Sciences
Classification: Uncertain significance for DYRK1A-related condition. Last evaluated: 2024-06-28. Review status: no assertion criteria provided. Collection method: clinical testing. Allele origin: germline. Not counted in ClinVar's aggregate classification.
Comment: The DYRK1A c.2288C>T variant is predicted to result in the amino acid substitution p.Ser763Leu. To our knowledge, this variant has not been reported in the literature. This variant is reported in 0.0031% of alleles in individuals of European (Non-Finnish) descent in gnomAD. At this time, the clinical significance of this variant is uncertain due to the absence of conclusive functional and genetic evidence.